The following is an entry in ClinVar:

ClinVar aggregate classification (germline): Likely pathogenic (1 of 4 stars; one submission).

Submission:

Labcorp Genetics (formerly Invitae), Labcorp
Classification: Likely pathogenic. Last evaluated: 2024-01-18. Review status: criteria provided, single submitter. Criteria: Invitae Variant Classification Sherloc (09022015). Collection method: clinical testing. Allele origin: germline.
Comment: This sequence change affects a donor splice site in intron 3 of the TRPM1 gene. It is expected to disrupt RNA splicing. Variants that disrupt the donor or acceptor splice site typically lead to a loss of protein function (PMID: 16199547), and loss-of-function variants in TRPM1 are known to be pathogenic (PMID: 19896113, 19966281, 20300565). This variant is not present in population databases (gnomAD no frequency). This variant has not been reported in the literature in individuals affected with TRPM1-related conditions. ClinVar contains an entry for this variant (Variation ID: 1347226). Algorithms developed to predict the effect of sequence changes on RNA splicing suggest that this variant may disrupt the consensus splice site. In summary, the currently available evidence indicates that the variant is pathogenic, but additional data are needed to prove that conclusively. Therefore, this variant has been classified as Likely Pathogenic.

Literature cited by the submitters: PubMed 16199547; PubMed 19896113; PubMed 19966281; PubMed 20300565.

NM_001252024.2(TRPM1):c.279+1G>T

Gene: TRPM1 (transient receptor potential cation channel subfamily M member 1; minus strand). Cytogenetic location: 15q13.3.
Variant type: single nucleotide variant.
Coding change: c.279+1G>T on transcript NM_001252024.2 (MANE Select); the canonical splice donor site of the intron after coding-DNA position 279, G replaced by T.
Molecular consequence: splice donor variant. On other transcripts: missense variant (1).
Genome position (GRCh38, 1-based): chr15:31,070,030, C>A on the plus strand (G>T on the coding strand, the complement: TRPM1 is on the minus strand). VCF-style: chr15-31070030-C-A. GRCh37 (hg19) VCF-style: chr15-31362233-C-A.
Other names: c.214G>T, p.Val72Leu (NM_001252030.2); c.330+1G>T (NM_001252020.2); c.213+1G>T (NM_002420.6); short protein forms V72L.
Identifiers: ClinVar variation 1347226 (VCV001347226.6), dbSNP rs2140966903, ClinGen allele CA391536861.
Genomic context (GRCh38, chr15:31,070,030, plus strand): 5'-GAGACTGGCCGCCAATGAAAGCTGTGATCCTAGTGGCACCATGTCTGAATGCCTTTCTCA[C>A]CATGGCTTTATTGGAATATCCGCCACCCTGGAATTCAAGAACTCCATAGGAATCTGTTGG-3'